The following is an entry in ClinVar:

NM_001848.3(COL6A1):c.911A>G (p.Lys304Arg)

Gene: COL6A1 (collagen type VI alpha 1 chain; plus strand). Cytogenetic location: 21q22.3.
Variant type: single nucleotide variant.
Coding change: c.911A>G on transcript NM_001848.3 (MANE Select); coding-DNA position 911, A replaced by G.
Protein change: p.Lys304Arg; replaces lysine 304 with arginine.
Molecular consequence: missense variant.
Genome position (GRCh38, 1-based): chr21:45,989,759, A>G. VCF-style: chr21-45989759-A-G. GRCh37 (hg19) VCF-style: chr21-47409673-A-G.
Other names: short protein forms K304R.
Identifiers: ClinVar variation 420843 (VCV000420843.3), dbSNP rs1064794736, ClinGen allele CA16621026.
Genomic context (GRCh38, chr21:45,989,759, plus strand): 5'-CTTGCACAGCACTAACAAGCCTTCCTCTTCCTCTTCTTCCGCTGGGTGTGTAGGGAGAAA[A>G]AGGGAGCCGTGGGGAGAAGGTGAGTGAGGCTCGACCTCGGAGCTGGTCTCTCCAGGCGCA-3'
Protein context (NP_001839.2, residues 294-314): PVGYQGMKGE[Lys304Arg]GSRGEKGSRG

ClinVar aggregate classification (germline): Uncertain significance (1 of 4 stars; one submission).

Conditions:
COL6A1-related disorder. Also called: COL6A1-related condition.

Allele frequency attached by ClinVar (database versions not stated): gnomAD exomes below 0.00001 and 0.00001; TOPMed below 0.00001; gnomAD 0.00001.
gnomAD v4.1: 11 of 1,612,552 alleles (0.00068%); highest among the groups gnomAD compares: Non-Finnish European, 0.00093%; no homozygotes.

Submission:

GeneDx
Classification: Uncertain significance. Last evaluated: 2018-05-21. Review status: criteria provided, single submitter. Criteria: GeneDx Variant Classification (06012015). Collection method: clinical testing. Allele origin: germline. Affected: yes.
Comment: The K304R variant in the COL6A1 gene has not been reported previously as a pathogenic variant, nor as a benign variant, to our knowledge. The K304R variant was not observed in approximately 6,500 individuals of European and African American ancestry in the NHLBI Exome Sequencing Project, indicating it is not a common benign variant in these populations. This substitution occurs at a position that is conserved in mammals. A missense variant in a nearby residue (G302R) has been reported in the Human Gene Mutation Database in association with Ullrich congenital muscular dystrophy (Stenson et al., 2014), supporting the functional importance of this region of the protein. However, the K304R variant is a conservative amino acid substitution, which is not likely to impact secondary protein structure as these residues share similar properties. In silico analysis is inconsistent in its predictions as to whether or not the variant is damaging to the protein structure/function. We interpret K304R as a variant of uncertain significance.